The following is an entry in ClinVar:

ClinVar aggregate classification (germline): Uncertain significance. Review status: criteria provided, multiple submitters, no conflicts (2 of 4 stars). 2 submissions from 2 submitters: Uncertain significance (2). Last evaluated 2025-10-29.

Conditions:
Charcot-Marie-Tooth disease type 2. Also called: Charcot-Marie-Tooth type 2. Identifiers: Orphanet 64746, MedGen C0270914, MONDO:0018993.

Allele frequency attached by ClinVar (database versions not stated): gnomAD exomes below 0.00001; ExAC 0.00001.
gnomAD v4.1: 1 of 1,614,068 alleles (0.000062%); highest among the groups gnomAD compares: Non-Finnish European, 0.000085%; no homozygotes.

Submissions (2):

Ambry Genetics
Classification: Uncertain significance. Last evaluated: 2025-10-29. Review status: criteria provided, single submitter. Criteria: Ambry Variant Classification Scheme 2023. Collection method: clinical testing. Allele origin: germline.

Labcorp Genetics (formerly Invitae), Labcorp
Classification: Uncertain significance for Charcot-Marie-Tooth disease type 2. Last evaluated: 2025-07-30. Review status: criteria provided, single submitter. Criteria: Invitae Variant Classification Sherloc (09022015). Collection method: clinical testing. Allele origin: germline.
Comment: This sequence change replaces asparagine, which is neutral and polar, with serine, which is neutral and polar, at codon 355 of the KIF1B protein (p.Asn355Ser). This variant is present in population databases (rs763013942, gnomAD 0.0009%). This variant has not been reported in the literature in individuals affected with KIF1B-related conditions. ClinVar contains an entry for this variant (Variation ID: 1781217). Invitae Evidence Modeling of protein sequence and biophysical properties (such as structural, functional, and spatial information, amino acid conservation, physicochemical variation, residue mobility, and thermodynamic stability) indicates that this missense variant is expected to disrupt KIF1B protein function with a positive predictive value of 80%. In summary, the available evidence is currently insufficient to determine the role of this variant in disease. Therefore, it has been classified as a Variant of Uncertain Significance.

NM_001365951.3(KIF1B):c.1082A>G (p.Asn361Ser)

Gene: KIF1B (kinesin family member 1B; plus strand). Cytogenetic location: 1p36.22.
Variant type: single nucleotide variant.
Coding change: c.1082A>G on transcript NM_001365951.3 (MANE Select); coding-DNA position 1082, A replaced by G.
Protein change: p.Asn361Ser; replaces asparagine 361 with serine.
Molecular consequence: missense variant.
Genome position (GRCh38, 1-based): chr1:10,278,030, A>G. VCF-style: chr1-10278030-A-G. GRCh37 (hg19) VCF-style: chr1-10338088-A-G.
Other names: c.1082A>G, p.Asn361Ser (NM_001365952.1); c.1064A>G, p.Asn355Ser (NM_001365953.1, NM_015074.3, NM_183416.4); short protein forms N355S, N361S.
Identifiers: ClinVar variation 1781217 (VCV001781217.9), dbSNP rs763013942, ClinGen allele CA580888.